The following is an entry in ClinVar:

ClinVar aggregate classification (germline): Uncertain significance. Review status: criteria provided, multiple submitters, no conflicts (2 of 4 stars). 2 submissions from 2 submitters: Uncertain significance (2). Last evaluated 2023-06-11.

Conditions:
Inborn genetic diseases. Identifiers: MedGen C0950123, MeSH D030342.

Allele frequency attached by ClinVar (database versions not stated): gnomAD exomes below 0.00001; gnomAD 0.00001; ESP Exome Variant Server 0.00008.
gnomAD v4.1: 8 of 1,613,844 alleles (0.0005%); highest among the groups gnomAD compares: East Asian, 0.0022%; no homozygotes.

Submissions (2):

Labcorp Genetics (formerly Invitae), Labcorp
Classification: Uncertain significance. Last evaluated: 2023-06-11. Review status: criteria provided, single submitter. Criteria: Invitae Variant Classification Sherloc (09022015). Collection method: clinical testing. Allele origin: germline.
Comment: ClinVar contains an entry for this variant (Variation ID: 1433727). In summary, the available evidence is currently insufficient to determine the role of this variant in disease. Therefore, it has been classified as a Variant of Uncertain Significance. An algorithm developed to predict the effect of missense changes on protein structure and function (PolyPhen-2) suggests that this variant is likely to be disruptive. This variant has not been reported in the literature in individuals affected with CTR9-related conditions. This variant is present in population databases (rs375227779, gnomAD 0.03%). This sequence change replaces arginine, which is basic and polar, with glutamine, which is neutral and polar, at codon 725 of the CTR9 protein (p.Arg725Gln).

Ambry Genetics
Classification: Uncertain significance for Inborn genetic diseases. Last evaluated: 2021-11-29. Review status: criteria provided, single submitter. Criteria: Ambry Variant Classification Scheme 2023. Collection method: clinical testing. Allele origin: germline.

NM_014633.5(CTR9):c.2174G>A (p.Arg725Gln)

Gene: CTR9 (CTR9 component of Paf1/RNA polymerase II complex; plus strand). Cytogenetic location: 11p15.4.
Variant type: single nucleotide variant.
Coding change: c.2174G>A on transcript NM_014633.5 (MANE Select); coding-DNA position 2174, G replaced by A.
Protein change: p.Arg725Gln; replaces arginine 725 with glutamine.
Molecular consequence: missense variant.
Genome position (GRCh38, 1-based): chr11:10,770,274, G>A. VCF-style: chr11-10770274-G-A. GRCh37 (hg19) VCF-style: chr11-10791821-G-A.
Other names: c.2174G>A (NM_014633.3); c.2174G>A, p.Arg725Gln (NM_001346279.2); short protein forms R725Q.
Identifiers: ClinVar variation 1433727 (VCV001433727.7), dbSNP rs375227779, ClinGen allele CA217709081.
Genomic context (GRCh38, chr11:10,770,274, plus strand): 5'-AAAACTGCCTCCGAAAGTTCTATAAGCACCAAAACACTGAAGTTGTACTCTATTTGGCCC[G>A]GGCCCTCTTCAAGTGTGGCAAGTTACAGGAATGCAAACAGACTTTGCTGAAGGTAAAAAG-3'
Protein context (NP_055448.1, residues 715-735): QNTEVVLYLA[Arg725Gln]ALFKCGKLQE